The following is an entry in ClinVar:

NM_001110219.3(GJB6):c.320G>A (p.Arg107Lys)

Gene: GJB6 (gap junction protein beta 6; minus strand). Cytogenetic location: 13q12.11.
Variant type: single nucleotide variant.
Coding change: c.320G>A on transcript NM_001110219.3 (MANE Select); coding-DNA position 320, G replaced by A.
Protein change: p.Arg107Lys; replaces arginine 107 with lysine.
Molecular consequence: missense variant.
Genome position (GRCh38, 1-based): chr13:20,223,161, C>T on the plus strand (G>A on the coding strand, the complement: GJB6 is on the minus strand). VCF-style: chr13-20223161-C-T. GRCh37 (hg19) VCF-style: chr13-20797300-C-T.
Other names: c.320G>A (NM_006783.4); c.320G>A, p.Arg107Lys (NM_001110220.3, NM_001110221.3, NM_001370090.1 and 3 more transcripts); short protein forms R107K.
Identifiers: ClinVar variation 2171793 (VCV002171793.5), dbSNP rs188399223, ClinGen allele CA6904465.

ClinVar aggregate classification (germline): Uncertain significance. Review status: criteria provided, multiple submitters, no conflicts (2 of 4 stars). 2 submissions from 2 submitters: Uncertain significance (2). Last evaluated 2025-10-01.

Conditions:
Inborn genetic diseases. Identifiers: MedGen C0950123, MeSH D030342.
Autosomal recessive nonsyndromic hearing loss 1B. Also called: DEAFNESS, AUTOSOMAL RECESSIVE 1B. Identifiers: Orphanet 90636, MedGen C2675235, MONDO:0012977, OMIM 612645.
Autosomal recessive nonsyndromic hearing loss 1A (DFNB1A). Also called: Connexin 26 deafness; Deafness nonsyndromic, Connexin 26 linked; GJB6-Related DFNB 1 Nonsyndromic Hearing Loss and Deafness; Deafness, autosomal recessive 1A; Nonsyndromic Hearing Loss and Deafness, DFNB1; GJB2-Related Autosomal Recessive Nonsyndromic Hearing Loss. Identifiers: Orphanet 90636, MedGen C2673759, MONDO:0009076, OMIM 220290.
Autosomal dominant nonsyndromic hearing loss 3B. Identifiers: Orphanet 90635, MedGen C2675237, MONDO:0012975, OMIM 612643.
Hidrotic ectodermal dysplasia syndrome (GJB6). Also called: Hidrotic ectodermal dysplasia; CLOUSTON HIDROTIC ECTODERMAL DYSPLASIA; Ectodermal dysplasia 2, hidrotic; Autosomal dominant hidrotic ectodermal dysplasia; Clouston syndrome; Clouston's hidrotic ectodermal dysplasia. Identifiers: Orphanet 189, MedGen C0162361, MONDO:0007510, OMIM 129500.

Allele frequency attached by ClinVar (database versions not stated): TOPMed 0.00002; gnomAD exomes 0.00001; ExAC 0.00002; gnomAD 0.00003; 1000 Genomes Project 30x 0.00078; 1000 Genomes Project 0.00080.
gnomAD v4.1: 12 of 1,613,808 alleles (0.00074%); highest among the groups gnomAD compares: East Asian, 0.027%; no homozygotes.

Submissions (2):

Labcorp Genetics (formerly Invitae), Labcorp
Classification: Uncertain significance for Autosomal dominant nonsyndromic hearing loss 3B; Hidrotic ectodermal dysplasia syndrome; Autosomal recessive nonsyndromic hearing loss 1B; Autosomal recessive nonsyndromic hearing loss 1A. Last evaluated: 2025-10-01. Review status: criteria provided, single submitter. Criteria: Invitae Variant Classification Sherloc (09022015). Collection method: clinical testing. Allele origin: germline.
Comment: This sequence change replaces arginine, which is basic and polar, with lysine, which is basic and polar, at codon 107 of the GJB6 protein (p.Arg107Lys). This variant is present in population databases (rs188399223, gnomAD 0.03%). This variant has not been reported in the literature in individuals affected with GJB6-related conditions. ClinVar contains an entry for this variant (Variation ID: 2171793). Invitae Evidence Modeling of protein sequence and biophysical properties (such as structural, functional, and spatial information, amino acid conservation, physicochemical variation, residue mobility, and thermodynamic stability) indicates that this missense variant is not expected to disrupt GJB6 protein function with a negative predictive value of 80%. In summary, the available evidence is currently insufficient to determine the role of this variant in disease. Therefore, it has been classified as a Variant of Uncertain Significance.

Ambry Genetics
Classification: Uncertain significance for Inborn genetic diseases. Last evaluated: 2025-08-31. Review status: criteria provided, single submitter. Criteria: Ambry Variant Classification Scheme 2023. Collection method: clinical testing. Allele origin: germline.